The following is an entry in ClinVar:

ClinVar aggregate classification (germline): Uncertain significance. Review status: reviewed by expert panel (3 of 4 stars). 4 submissions from 4 submitters: Uncertain significance (1). 3 of the submissions do not count toward it. Last evaluated 2024-10-13.

Conditions:
Maturity-onset diabetes of the young (MODY). Also called: Maturity onset diabetes mellitus in young. Identifiers: Orphanet 552, MedGen C0342276, MONDO:0018911, HP:0004904.
Maturity-onset diabetes of the young type 3. Also called: MODY type 3; MODY, type III. Identifiers: Orphanet 552, MedGen C1838100, MeSH C563933, MONDO:0010894, OMIM 600496. Disease mechanism: loss of function.
Monogenic diabetes. Identifiers: Orphanet 183625, MedGen C3888631, MONDO:0015967.

Allele frequency attached by ClinVar (database versions not stated): gnomAD exomes below 0.00001.
gnomAD v4.1: 2 of 1,613,940 alleles (0.00012%); highest among the groups gnomAD compares: South Asian, 0.0022%; no homozygotes.

Submissions (4):

ClinGen Monogenic Diabetes Variant Curation Expert Panel
Classification: Uncertain significance for Monogenic diabetes. Last evaluated: 2024-10-13. Review status: reviewed by expert panel. Criteria: ClinGen Diabetes ACMG Specifications HNF1A V2.1.0. Collection method: curation. Allele origin: germline. Inheritance: Autosomal dominant inheritance.
Comment: The c.703G>C variant in the HNF1 homeobox A gene, HNF1A, causes an amino acid change of glutamate to glutamine at codon 235 (p.(Glu235Gln)) of NM_000545.8. This variant is located within a conserved region of the DNA binding domain (codons 107-174 and 201-280) of HNF1A, which is defined as critical for the protein’s function by the ClinGen MDEP (PM1_Supporting). Additionally, this variant is predicted to be deleterious by computational evidence, with a REVEL score of 0.816, which is greater than the MDEP VCEP threshold of 0.70 (PP3). This variant has an incomputable gnomAD v2.1.1 Grpmax filtering allele frequency due to its absence in the European non-Finnish subpopulation and only 1 copy in any other subpopulation, thereby meeting the ClinGen MDEP threshold criteria for PM2_Supporting (ENF GrpmaxPopmax FAF <= 0.000003 and <= 2 copies in ENF and <=1 copy in any other subpopulation) (PM2_Supporting). This variant was identified in a single individual with non-autoimmune and non-absolute/near-absolute insulin-deficient diabetes; however, PS4_Moderate cannot be applied because this number is below the ClinGen MDEP threshold (PMID: 19336507). This variant does not meet the MDEP criteria of reduced function in either transactivation or nuclear localization assays, as defined as < 40% of WT activity (PMID: 26853433). In summary, c.703G>C meets the criteria to be classified as a variant of uncertain significance for monogenic diabetes. ACMG/AMP criteria applied, as specified by the ClinGen MDEP (specification version 2.1.1, approved 8/11/2023): PM1_Supporting, PM2_Supporting, PP3.

Broad Center for Mendelian Genomics, Broad Institute of MIT and Harvard
Classification: Uncertain significance for Maturity-onset diabetes of the young type 3. Last evaluated: 2020-01-22. Review status: criteria provided, single submitter. Criteria: ACMG Guidelines, 2015. Collection method: curation. Allele origin: germline. Inheritance: Autosomal dominant inheritance. Not counted in ClinVar's aggregate classification.
Comment: Please note that for diseases with clinical variability, or reduced penetrance, pathogenic variants may be present at a low frequency in the general population. In vitro functional studies provide some evidence that the p.Glu235Gln variant may slightly impact protein function (PMID: 26853433). However, these types of assays may not accurately represent biological function. Computational prediction tools and conservation analyses suggest that this variant may impact the protein, though this information is not predictive enough to determine pathogenicity. The p.Glu235Gln variant is located in a region of HNF1A that is essential to protein folding and stability, suggesting that this variant is in a functional domain and slightly supports pathogenicity (PMID: 26853433). In summary, while there is some suspicion for a pathogenic role, the clinical significance of this variant is uncertain. ACMG/AMP Criteria applied: PM2, PP3, PS3_Supporting, PM1_Supporting (Richards 2015).

Clinical Genomics, Uppaluri K&H Personalized Medicine Clinic
Classification: Uncertain risk allele for Maturity-onset diabetes of the young. Review status: criteria provided, single submitter. Criteria: K & H Uppaluri Personalized Medicine Clinic Variant Classification & Assertion Criteria_Updated V.1. Collection method: research. Allele origin: unknown. Inheritance: Autosomal dominant inheritance. Not counted in ClinVar's aggregate classification.
Comment: Mutations in HNF1A gene can predispose to MODY3. It is associated with both micro and macrovascular complications of diabetes, especially cardiovascular complications. Associated with glucosuria. May respond well to sulfonylureas. However, more evidence is required to confer the association of this particular variant rs1353807357 with MODY3.

Molecular Genetics, Madras Diabetes Research Foundation
Classification: Likely benign for Maturity-onset diabetes of the young. Review status: criteria provided, single submitter. Criteria: ACMG Guidelines, 2015. Collection method: clinical testing. Allele origin: germline. Affected: yes. Not counted in ClinVar's aggregate classification.

Literature cited by the submitters: PubMed 26853433 (cited by Broad Center for Mendelian Genomics, Broad Institute of MIT and Harvard and Molecular Genetics, Madras Diabetes Research Foundation); PubMed 31517624 (cited by Clinical Genomics, Uppaluri K&H Personalized Medicine Clinic); PubMed 32395877 (cited by Clinical Genomics, Uppaluri K&H Personalized Medicine Clinic); PubMed 35328643 (cited by Clinical Genomics, Uppaluri K&H Personalized Medicine Clinic); PubMed 35673428 (cited by Clinical Genomics, Uppaluri K&H Personalized Medicine Clinic); PubMed 19336507 (cited by Molecular Genetics, Madras Diabetes Research Foundation).

NM_000545.8(HNF1A):c.703G>C (p.Glu235Gln)

Gene: HNF1A (HNF1 homeobox A; plus strand). Cytogenetic location: 12q24.31.
Variant type: single nucleotide variant.
Coding change: c.703G>C on transcript NM_000545.8 (MANE Select); coding-DNA position 703, G replaced by C.
Protein change: p.Glu235Gln; replaces glutamic acid 235 with glutamine.
Molecular consequence: missense variant.
Genome position (GRCh38, 1-based): chr12:120,993,696, G>C. VCF-style: chr12-120993696-G-C. GRCh37 (hg19) VCF-style: chr12-121431499-G-C.
Other names: NM_000545.8(HNF1A):c.703G>C; p.Glu235Gln; c.703G>C, p.Glu235Gln (NM_001306179.2); short protein forms E235Q.
Identifiers: ClinVar variation 972755 (VCV000972755.5), dbSNP rs1353807357, ClinGen allele CA386965365.